The following is an entry in ClinVar:

NM_003737.4(DCHS1):c.269C>T (p.Thr90Ile)

Gene: DCHS1 (dachsous cadherin-related 1; minus strand). Cytogenetic location: 11p15.4.
Variant type: single nucleotide variant.
Coding change: c.269C>T on transcript NM_003737.4 (MANE Select); coding-DNA position 269, C replaced by T.
Protein change: p.Thr90Ile; replaces threonine 90 with isoleucine.
Molecular consequence: missense variant.
Genome position (GRCh38, 1-based): chr11:6,641,345, G>A on the plus strand (C>T on the coding strand, the complement: DCHS1 is on the minus strand). VCF-style: chr11-6641345-G-A. GRCh37 (hg19) VCF-style: chr11-6662576-G-A.
Other names: c.269C>T (NM_003737.2); short protein forms T90I.
Identifiers: ClinVar variation 1899684 (VCV001899684.6), dbSNP rs1856070910, ClinGen allele CA379443590.

ClinVar aggregate classification (germline): Uncertain significance. Review status: criteria provided, multiple submitters, no conflicts (2 of 4 stars). 2 submissions from 2 submitters: Uncertain significance (2). Last evaluated 2025-07-14.

Conditions:
Inborn genetic diseases. Identifiers: MedGen C0950123, MeSH D030342.

gnomAD v4.1: 2 of 1,613,618 alleles (0.00012%); highest among the groups gnomAD compares: Non-Finnish European, 0.00017%; no homozygotes.

Submissions (2):

Labcorp Genetics (formerly Invitae), Labcorp
Classification: Uncertain significance. Last evaluated: 2025-07-14. Review status: criteria provided, single submitter. Criteria: Invitae Variant Classification Sherloc (09022015). Collection method: clinical testing. Allele origin: germline.
Comment: This sequence change replaces threonine, which is neutral and polar, with isoleucine, which is neutral and non-polar, at codon 90 of the DCHS1 protein (p.Thr90Ile). This variant is not present in population databases (gnomAD no frequency). This variant has not been reported in the literature in individuals affected with DCHS1-related conditions. ClinVar contains an entry for this variant (Variation ID: 1899684). Invitae Evidence Modeling of protein sequence and biophysical properties (such as structural, functional, and spatial information, amino acid conservation, physicochemical variation, residue mobility, and thermodynamic stability) indicates that this missense variant is not expected to disrupt DCHS1 protein function with a negative predictive value of 95%. In summary, the available evidence is currently insufficient to determine the role of this variant in disease. Therefore, it has been classified as a Variant of Uncertain Significance.

Ambry Genetics
Classification: Uncertain significance for Inborn genetic diseases. Last evaluated: 2024-04-26. Review status: criteria provided, single submitter. Criteria: Ambry Variant Classification Scheme 2023. Collection method: clinical testing. Allele origin: germline.